The following is an entry in ClinVar:

ClinVar aggregate classification (germline): Pathogenic (1 of 4 stars; one submission).

Conditions:
X-linked myopathy with postural muscle atrophy. Also called: FHL1-Related Emery-Dreifuss Muscular Dystrophy, X-Linked. Identifiers: Orphanet 178461, MedGen C2678055, MONDO:0010401, OMIM 300696.

Submission:

Labcorp Genetics (formerly Invitae), Labcorp
Classification: Pathogenic for X-linked myopathy with postural muscle atrophy. Last evaluated: 2022-06-13. Review status: criteria provided, single submitter. Criteria: Invitae Variant Classification Sherloc (09022015). Collection method: clinical testing. Allele origin: germline.
Comment: This sequence change creates a premature translational stop signal (p.Tyr19*) in the FHL1 gene. It is expected to result in an absent or disrupted protein product. Loss-of-function variants in FHL1 are known to be pathogenic (PMID: 18179888, 19687455, 19716112, 22523091, 24114807). This variant is not present in population databases (gnomAD no frequency). This variant has not been reported in the literature in individuals affected with FHL1-related conditions. For these reasons, this variant has been classified as Pathogenic.

Literature cited by the submitters: PubMed 18179888; PubMed 19687455; PubMed 19716112; PubMed 22523091; PubMed 24114807.

NM_001159699.2(FHL1):c.104dup (p.Tyr35Ter)

Gene: FHL1 (four and a half LIM domains 1; plus strand). Cytogenetic location: Xq26.3.
Variant type: Duplication.
Coding change: c.104dup on transcript NM_001159699.2 (MANE Select); coding-DNA position 104, one base duplicated (A; older notation c.104dupA).
Protein change: p.Tyr35Ter; replaces tyrosine 35 with a stop codon.
Molecular consequence: nonsense. On other transcripts: non-coding transcript variant (1).
Genome position (GRCh38, 1-based): chrX:136,206,488, A duplicated. VCF-style (leftmost placement, unchanged base first): chrX-136206487-T-TA. GRCh37 (hg19) VCF-style: chrX-135288646-T-TA.
Other names: c.56dup, p.Tyr19Ter (NM_001159700.2, NM_001159702.3, NM_001159703.2 and 9 more transcripts); c.143dup, p.Tyr48Ter (NM_001159701.2); c.104dup, p.Tyr35Ter (NM_001330659.2); short protein forms Y19*, Y48*, Y35*.
Identifiers: ClinVar variation 2005647 (VCV002005647.4), dbSNP rs2521247887, ClinGen allele CA2580101557.